The following is an entry in ClinVar:

NM_001242896.3(DEPDC5):c.3801C>A (p.Asp1267Glu)

Gene: DEPDC5 (DEP domain containing 5, GATOR1 subcomplex subunit; plus strand). Cytogenetic location: 22q12.3.
Variant type: single nucleotide variant.
Coding change: c.3801C>A on transcript NM_001242896.3 (MANE Select); coding-DNA position 3801, C replaced by A.
Protein change: p.Asp1267Glu; replaces aspartic acid 1267 with glutamic acid.
Molecular consequence: missense variant. On other transcripts: non-coding transcript variant (2).
Genome position (GRCh38, 1-based): chr22:31,876,261, C>A. VCF-style: chr22-31876261-C-A. GRCh37 (hg19) VCF-style: chr22-32272247-C-A.
Other names: c.3774C>A, p.Asp1258Glu (NM_001136029.4); c.3501C>A, p.Asp1167Glu (NM_001242897.2); c.3735C>A, p.Asp1245Glu (NM_001363852.2, NM_001364320.2); c.3567C>A, p.Asp1189Glu (NM_001363854.2, NM_001364319.2); c.3801C>A, p.Asp1267Glu (NM_001364318.2); c.3717C>A, p.Asp1239Glu (NM_001369901.1, NM_001369902.1); c.3708C>A, p.Asp1236Glu (NM_001369903.1, NM_014662.6); short protein forms D1167E, D1189E, D1236E, D1239E, D1245E, D1258E, D1267E.
Identifiers: ClinVar variation 4884879 (VCV004884879.1).
Genomic context (GRCh38, chr22:31,876,261, plus strand): 5'-CTGGCGGACCTTCATCTACGGCTTCTATTTCTACAAGATAGTAACGGACAAAGAGCCCGA[C>A]CGAGGTTAGAGCCGAGGCGAATGCGGTTGCCCACAGGGGCAAGTGTTTTTCCTGGTGACT-3'
Protein context (NP_001229825.1, residues 1257-1277): FYKIVTDKEP[Asp1267Glu]RVAMQQPATT

ClinVar aggregate classification (germline): Uncertain significance (1 of 4 stars; one submission).

Conditions:
Epilepsy, familial focal, with variable foci 1 (FFEVF1). Also called: DEPDC5-Related Epilepsy. Identifiers: MedGen C4551983, MONDO:0024556, OMIM 604364.

Submission:

Genetics laboratory, Institute of Kidney Diseases & Research Centre Dr. H.L. Trivedi Institute Of Transplantation Sciences
Classification: Uncertain significance for Epilepsy, familial focal, with variable foci 1. Last evaluated: 2026-05-14. Review status: criteria provided, single submitter. Criteria: ACMG Guidelines, 2015. Collection method: clinical testing. Allele origin: germline. Inheritance: Autosomal dominant inheritance. Affected: yes. Observed: 1 variant allele, 1 heterozygote.
Comment: The DEPDC5 c.3801C>A (p.Asp1267Glu) variant is classified as a Variant of Uncertain Significance (VUS) according to ACMG/AMP guidelines. The variant is absent or extremely rare in population databases, supporting PM2. However, the available evidence is currently insufficient to establish the clinical significance of this missense variant.